The following is an entry in ClinVar:

NM_000088.4(COL1A1):c.588+1G>A

Gene: COL1A1 (collagen type I alpha 1 chain; minus strand). Cytogenetic location: 17q21.33.
Variant type: single nucleotide variant.
Coding change: c.588+1G>A on transcript NM_000088.4 (MANE Select); the canonical splice donor site of the intron after coding-DNA position 588, G replaced by A.
Molecular consequence: splice donor variant.
Genome position (GRCh38, 1-based): chr17:50,198,160, C>T on the plus strand (G>A on the coding strand, the complement: COL1A1 is on the minus strand). VCF-style: chr17-50198160-C-T. GRCh37 (hg19) VCF-style: chr17-48275521-C-T.
Identifiers: ClinVar variation 1452082 (VCV001452082.9), dbSNP rs72667025, ClinGen allele CA291548212.

ClinVar aggregate classification (germline): Conflicting classifications of pathogenicity. Review status: criteria provided, conflicting classifications (1 of 4 stars). 2 submissions from 2 submitters: Pathogenic (1); Uncertain significance (1). Last evaluated 2021-12-08.

Conditions:
Osteogenesis imperfecta type I (OI1). Also called: Lobstein disease; OI, TYPE I; OSTEOGENESIS IMPERFECTA TARDA; OSTEOGENESIS IMPERFECTA WITH BLUE SCLERAE; Lobstein's Disease; Classic Non-deforming Osteogenesis Imperfecta with Blue Sclerae. Identifiers: Orphanet 216796, Orphanet 666, MedGen C0023931, MONDO:0008146, OMIM 166200. Disease mechanism: loss of function.
Osteogenesis imperfecta (OI). Identifiers: Orphanet 666, MedGen C0029434, MeSH D010013, MONDO:0019019.

Submissions (2):

Genome Diagnostics Laboratory, The Hospital for Sick Children
Classification: Uncertain significance for Osteogenesis imperfecta. Last evaluated: 2021-12-08. Review status: criteria provided, single submitter. Criteria: ACMG Guidelines, 2015. Collection method: clinical testing. Allele origin: germline.

Labcorp Genetics (formerly Invitae), Labcorp
Classification: Pathogenic for Osteogenesis imperfecta type I. Last evaluated: 2021-09-20. Review status: criteria provided, single submitter. Criteria: Invitae Variant Classification Sherloc (09022015). Collection method: clinical testing. Allele origin: germline.
Comment: This sequence change affects a donor splice site in intron 7 of the COL1A1 gene. RNA analysis indicates that this variant induces altered splicing and likely results in a shortened protein product. This variant is not present in population databases (ExAC no frequency). Disruption of this splice site has been observed in individual(s) with osteogenesis imperfecta (PMID: 17078022, 28725987). This variant is also known as IVS7+1G>A. Studies have shown that disruption of this splice site results in skipping of exon 7, but is expected to preserve the integrity of the reading-frame (PMID: 25963598). For these reasons, this variant has been classified as Pathogenic.

Literature cited by the submitters: PubMed 17078022 (cited by Labcorp Genetics (formerly Invitae), Labcorp); PubMed 28725987 (cited by Labcorp Genetics (formerly Invitae), Labcorp); PubMed 25963598 (cited by Labcorp Genetics (formerly Invitae), Labcorp).